The following is an entry in ClinVar:

NM_152703.5(SAMD9L):c.1652C>T (p.Ser551Phe)

Gene: SAMD9L (sterile alpha motif domain containing 9 like; minus strand). Cytogenetic location: 7q21.2.
Variant type: single nucleotide variant.
Coding change: c.1652C>T on transcript NM_152703.5 (MANE Select); coding-DNA position 1652, C replaced by T.
Protein change: p.Ser551Phe; replaces serine 551 with phenylalanine.
Molecular consequence: missense variant.
Genome position (GRCh38, 1-based): chr7:93,134,320, G>A on the plus strand (C>T on the coding strand, the complement: SAMD9L is on the minus strand). VCF-style: chr7-93134320-G-A. GRCh37 (hg19) VCF-style: chr7-92763633-G-A.
Other names: c.1652C>T, p.Ser551Phe (NM_001303496.3, NM_001303497.3, NM_001303498.3 and 5 more transcripts); short protein forms S551F.
Identifiers: ClinVar variation 5028872 (VCV005028872.1).

ClinVar aggregate classification (germline): Uncertain significance (1 of 4 stars; one submission).

Conditions:
Inborn genetic diseases. Identifiers: MedGen C0950123, MeSH D030342.

gnomAD v4.1: 5 of 1,610,842 alleles (0.00031%); highest among the groups gnomAD compares: Admixed American, 0.0017%; no homozygotes.

Submission:

Ambry Genetics
Classification: Uncertain significance for Inborn genetic diseases. Last evaluated: 2026-07-05. Review status: criteria provided, single submitter. Criteria: Ambry Variant Classification Scheme 2023. Collection method: clinical testing. Allele origin: germline.
Comment: The p.S551F variant (also known as c.1652C>T), located in coding exon 1 of the SAMD9L gene, results from a C to T substitution at nucleotide position 1652. The serine at codon 551 is replaced by phenylalanine, an amino acid with highly dissimilar properties. This amino acid position is conserved. In addition, this alteration is predicted to be tolerated by in silico analysis. Based on the available evidence, the clinical significance of this variant remains unclear.